The following is an entry in ClinVar:

ClinVar aggregate classification (germline): Uncertain significance (1 of 4 stars; one submission).

Conditions:
Long QT syndrome (LQTS). Identifiers: MedGen C0023976, MeSH D008133, MONDO:0002442. Disease mechanism: loss of function. Inheritance: Various modes of inheritance.

gnomAD v4.1: 4 of 1,612,898 alleles (0.00025%); highest among the groups gnomAD compares: Admixed American, 0.0017%; no homozygotes.

Submission:

Labcorp Genetics (formerly Invitae), Labcorp
Classification: Uncertain significance for Long QT syndrome. Last evaluated: 2024-05-17. Review status: criteria provided, single submitter. Criteria: Invitae Variant Classification Sherloc (09022015). Collection method: clinical testing. Allele origin: germline.
Comment: This sequence change creates a premature translational stop signal (p.Arg649*) in the AKAP9 gene. It is expected to result in an absent or disrupted protein product. However, the current clinical and genetic evidence is not sufficient to establish whether loss-of-function variants in AKAP9 cause disease. This variant is present in population databases (rs779398715, gnomAD 0.003%). This variant has not been reported in the literature in individuals affected with AKAP9-related conditions. ClinVar contains an entry for this variant (Variation ID: 1407251). In summary, the available evidence is currently insufficient to determine the role of this variant in disease. Therefore, it has been classified as a Variant of Uncertain Significance.

NM_005751.5(AKAP9):c.1945C>T (p.Arg649Ter)

Gene: AKAP9 (A-kinase anchoring protein 9; plus strand). Cytogenetic location: 7q21.2.
Variant type: single nucleotide variant.
Coding change: c.1945C>T on transcript NM_005751.5 (MANE Select); coding-DNA position 1945, C replaced by T.
Protein change: p.Arg649Ter; replaces arginine 649 with a stop codon.
Molecular consequence: nonsense.
Genome position (GRCh38, 1-based): chr7:92,001,862, C>T. VCF-style: chr7-92001862-C-T. GRCh37 (hg19) VCF-style: chr7-91631176-C-T.
Other names: c.1945C>T, p.Arg649Ter (NM_147185.3); short protein forms R649*.
Identifiers: ClinVar variation 1407251 (VCV001407251.6), dbSNP rs779398715, ClinGen allele CA4336075.